The following is an entry in ClinVar:

ClinVar aggregate classification (germline): Pathogenic (1 of 4 stars; one submission).

Conditions:
Pigmentary pallidal degeneration (NBIA1). Also called: PKAN NEUROAXONAL DYSTROPHY, JUVENILE-ONSET; HARP SYNDROME; Neurodegeneration with brain iron accumulation 1; Pantothenate Kinase-Associated Neurodegeneration; Neuroaxonal dystrophy, late infantile; Hallervorden-Spatz disease. Identifiers: Orphanet 157850, MedGen C0018523, MONDO:0009319, OMIM 234200.

Submission:

Women's Health and Genetics/Laboratory Corporation of America, LabCorp
Classification: Pathogenic for Pigmentary pallidal degeneration. Last evaluated: 2025-02-06. Review status: criteria provided, single submitter. Criteria: LabCorp Variant Classification Summary - May 2015. Collection method: clinical testing. Allele origin: germline.
Comment: Variant summary: PANK2 c.1168A>T (p.Ile390Phe) results in a non-conservative amino acid change located in the Actin-like ATPase domain (IPR043129) of the encoded protein sequence. Five of five in-silico tools predict a damaging effect of the variant on protein function. The variant was absent in 251366 control chromosomes. c.1168A>T has been reported in the literature in multiple homozygous individuals affected with Pantothenate Kinase-Associated Neurodegeneration (e.g. Dezfouli_2013, Saeedi_2020). These data indicate that the variant is very likely to be associated with disease. To our knowledge, no experimental evidence demonstrating an impact on protein function has been reported. The following publications have been ascertained in the context of this evaluation (PMID: 23166001, 31371123). No submitters have cited clinical-significance assessments for this variant to ClinVar. Based on the evidence outlined above, the variant was classified as pathogenic.

Literature cited by the submitters: PubMed 23166001; PubMed 31371123.

NM_001386393.1(PANK2):c.838A>T (p.Ile280Phe)

Gene: PANK2 (pantothenate kinase 2; plus strand). Cytogenetic location: 20p13.
Variant type: single nucleotide variant.
Coding change: c.838A>T on transcript NM_001386393.1 (MANE Select); coding-DNA position 838, A replaced by T.
Protein change: p.Ile280Phe; replaces isoleucine 280 with phenylalanine.
Molecular consequence: missense variant. On other transcripts: 5 prime UTR variant (1), non-coding transcript variant (1).
Genome position (GRCh38, 1-based): chr20:3,910,763, A>T. VCF-style: chr20-3910763-A-T. GRCh37 (hg19) VCF-style: chr20-3891410-A-T.
Other names: c.295A>T, p.Ile99Phe (NM_001324191.2, NM_024960.6, NM_153640.4); c.-141A>T (NM_001324193.2); c.1168A>T, p.Ile390Phe (NM_153638.4); short protein forms I280F, I390F, I99F.
Identifiers: ClinVar variation 3768705 (VCV003768705.1).